The following is an entry in ClinVar:

NM_000138.5(FBN1):c.8348C>A (p.Ala2783Asp)

Gene: FBN1 (fibrillin 1; minus strand). Cytogenetic location: 15q21.1.
Variant type: single nucleotide variant.
Coding change: c.8348C>A on transcript NM_000138.5 (MANE Select); coding-DNA position 8348, C replaced by A.
Protein change: p.Ala2783Asp; replaces alanine 2783 with aspartic acid.
Molecular consequence: missense variant.
Genome position (GRCh38, 1-based): chr15:48,411,258, G>T on the plus strand (C>A on the coding strand, the complement: FBN1 is on the minus strand). VCF-style: chr15-48411258-G-T. GRCh37 (hg19) VCF-style: chr15-48703455-G-T.
Other names: short protein forms A2783D.
Identifiers: ClinVar variation 1518035 (VCV001518035.6), dbSNP rs2141209965, ClinGen allele CA392319458.

ClinVar aggregate classification (germline): Pathogenic (1 of 4 stars; one submission).

Conditions:
Marfan syndrome (MFS). Also called: MARFAN SYNDROME, TYPE I; Marfan syndrome type 1; Marfan's syndrome; Marfan syndrome, classic; FBN1-Related Marfan Syndrome. Identifiers: Orphanet 284963, Orphanet 558, MedGen C0024796, MONDO:0007947, OMIM 154700.
Familial thoracic aortic aneurysm and aortic dissection (TAAD). Also called: Thoracic aortic aneurysms and dissections. Identifiers: Orphanet 91387, MedGen C4707243, MONDO:0019625.

Submission:

Labcorp Genetics (formerly Invitae), Labcorp
Classification: Pathogenic for Marfan syndrome; Familial thoracic aortic aneurysm and aortic dissection. Last evaluated: 2023-11-28. Review status: criteria provided, single submitter. Criteria: Invitae Variant Classification Sherloc (09022015). Collection method: clinical testing. Allele origin: germline.
Comment: This sequence change replaces alanine, which is neutral and non-polar, with aspartic acid, which is acidic and polar, at codon 2783 of the FBN1 protein (p.Ala2783Asp). This variant is not present in population databases (gnomAD no frequency). This missense change has been observed in individuals with clinical features of Marfan syndrome (Invitae). ClinVar contains an entry for this variant (Variation ID: 1518035). Advanced modeling of protein sequence and biophysical properties (such as structural, functional, and spatial information, amino acid conservation, physicochemical variation, residue mobility, and thermodynamic stability) performed at Invitae indicates that this missense variant is expected to disrupt FBN1 protein function with a positive predictive value of 95%. This variant disrupts the p.Ala2783 amino acid residue in FBN1. Other variant(s) that disrupt this residue have been determined to be pathogenic (Invitae). This suggests that this residue is clinically significant, and that variants that disrupt this residue are likely to be disease-causing. For these reasons, this variant has been classified as Pathogenic.